The following is an entry in ClinVar:

ClinVar aggregate classification (germline): Uncertain significance (1 of 4 stars; one submission).

Submission:

Ambry Genetics
Classification: Uncertain significance. Last evaluated: 2023-02-16. Review status: criteria provided, single submitter. Criteria: Ambry Variant Classification Scheme 2023. Collection method: clinical testing. Allele origin: germline.
Comment: The p.L678P variant (also known as c.2033T>C), located in coding exon 13 of the RINT1 gene, results from a T to C substitution at nucleotide position 2033. The leucine at codon 678 is replaced by proline, an amino acid with similar properties. This amino acid position is conserved. In addition, this alteration is predicted to be deleterious by in silico analysis. Since supporting evidence is limited at this time, the clinical significance of this alteration remains unclear.

NM_021930.6(RINT1):c.2033T>C (p.Leu678Pro)

Genes: EFCAB10 (EF-hand calcium binding domain 10; minus strand), RINT1 (RAD50 interactor 1; plus strand). Cytogenetic location: 7q22.3.
Variant type: single nucleotide variant.
Coding change: c.2033T>C on transcript NM_021930.6 (MANE Select); coding-DNA position 2033, T replaced by C.
Protein change: p.Leu678Pro; replaces leucine 678 with proline.
Molecular consequence: missense variant. On other transcripts: 3 prime UTR variant (2), synonymous variant (1), non-coding transcript variant (1).
Genome position (GRCh38, 1-based): chr7:105,565,423, T>C. VCF-style: chr7-105565423-T-C. GRCh37 (hg19) VCF-style: chr7-105205870-T-C.
Other names: c.*24A>G (NM_001355526.2); c.*126A>G (NM_001355530.2); c.384A>G, p.Gln128= (NM_001355531.2); c.1799T>C, p.Leu600Pro (NM_001346599.2); c.1010T>C, p.Leu337Pro (NM_001346600.2, NM_001346603.2); c.1109T>C, p.Leu370Pro (NM_001346601.2); short protein forms L337P, L678P, L600P, L370P.
Identifiers: ClinVar variation 2448428 (VCV002448428.2), dbSNP rs2485184672, ClinGen allele CA368814945.